The following is an entry in ClinVar:

ClinVar aggregate classification (germline): Uncertain significance (1 of 4 stars; one submission).

Allele frequency attached by ClinVar (database versions not stated): gnomAD exomes below 0.00001.
gnomAD v4.1: 1 of 1,551,816 alleles (0.000064%); highest among the groups gnomAD compares: African/African-American, 0.0014%; no homozygotes.

Submission:

Labcorp Genetics (formerly Invitae), Labcorp
Classification: Uncertain significance. Last evaluated: 2024-04-15. Review status: criteria provided, single submitter. Criteria: Invitae Variant Classification Sherloc (09022015). Collection method: clinical testing. Allele origin: germline.
Comment: This sequence change replaces serine, which is neutral and polar, with asparagine, which is neutral and polar, at codon 368 of the DTHD1 protein (p.Ser368Asn). This variant is not present in population databases (gnomAD no frequency). This variant has not been reported in the literature in individuals affected with DTHD1-related conditions. ClinVar contains an entry for this variant (Variation ID: 2086551). Algorithms developed to predict the effect of missense changes on protein structure and function output the following: SIFT: "Not Available"; PolyPhen-2: "Benign"; Align-GVGD: "Not Available". The asparagine amino acid residue is found in multiple mammalian species, which suggests that this missense change does not adversely affect protein function. In summary, the available evidence is currently insufficient to determine the role of this variant in disease. Therefore, it has been classified as a Variant of Uncertain Significance.

NM_001170700.3(DTHD1):c.1973G>A (p.Ser658Asn)

Gene: DTHD1 (death domain containing 1; plus strand). Cytogenetic location: 4p14.
Variant type: single nucleotide variant.
Coding change: c.1973G>A on transcript NM_001170700.3 (MANE Select); coding-DNA position 1973, G replaced by A.
Protein change: p.Ser658Asn; replaces serine 658 with asparagine.
Molecular consequence: missense variant. On other transcripts: non-coding transcript variant (2).
Genome position (GRCh38, 1-based): chr4:36,308,371, G>A. VCF-style: chr4-36308371-G-A. GRCh37 (hg19) VCF-style: chr4-36309993-G-A.
Other names: c.1103G>A, p.Ser368Asn (NM_001136536.5); c.1040G>A, p.Ser347Asn (NM_001378435.1); short protein forms S368N, S347N, S658N.
Identifiers: ClinVar variation 2086551 (VCV002086551.4), dbSNP rs2529768662, ClinGen allele CA356681021.